The following is an entry in ClinVar:

NM_001943.5(DSG2):c.339dup (p.Thr114fs)

Gene: DSG2 (desmoglein 2; plus strand). Cytogenetic location: 18q12.1.
Variant type: Duplication.
Coding change: c.339dup on transcript NM_001943.5 (MANE Select); coding-DNA position 339, one base duplicated (T; older notation c.339dupT).
Protein change: p.Thr114fs; shifts the reading frame from threonine 114.
Molecular consequence: frameshift variant.
Genome position (GRCh38, 1-based): chr18:31,520,925, T duplicated; the last of 2 consecutive T bases (chr18:31,520,924-31,520,925); duplicating either gives the same sequence. VCF-style (leftmost placement, unchanged base first): chr18-31520923-G-GT. GRCh37 (hg19) VCF-style: chr18-29100886-G-GT.
Other names: c.339dupT (NM_001943.3); short protein forms T114fs.
Identifiers: ClinVar variation 3376693 (VCV003376693.1).

ClinVar aggregate classification (germline): Likely pathogenic (1 of 4 stars; one submission).

Conditions:
Arrhythmogenic right ventricular dysplasia 10. Also called: Arrhythmogenic right ventricular dysplasia/cardiomyopathy, type 10; Arrhythmogenic Right Ventricular Dysplasia/Cardiomyopathy10; ARRHYTHMOGENIC RIGHT VENTRICULAR DYSPLASIA, FAMILIAL, 10. Identifiers: MedGen C1857777, MONDO:0012434, OMIM 610193.

Submission:

Victorian Clinical Genetics Services, Murdoch Childrens Research Institute
Classification: Likely pathogenic for Arrhythmogenic right ventricular dysplasia 10. Last evaluated: 2022-02-02. Review status: criteria provided, single submitter. Criteria: ACMG Guidelines, 2015. Collection method: clinical testing. Allele origin: germline. Inheritance: Autosomal dominant inheritance.
Comment: Based on the classification scheme VCGS_Germline_v1.3.4, this variant is classified as Likely pathogenic. Following criteria are met: 0103 - Loss of function and gain of function are reported mechanisms of disease in this gene and are associated with arrhythmogenic right ventricular dysplasia 10 (ARVD; MIM#610193) and dilated cardiomyopathy 1BB (DCM; MIM#612877) (ClinVar, PMID: 23071725). (I) 0108 - This gene is associated with both recessive and dominant disease. It is commonly associated to dominant inheritance, however recessive has been reported in severe DCM patients (OMIM). (I) 0112 - The ARVD condition associated with this gene has incomplete penetrance (OMIM). (I) 0201 - Variant is predicted to cause nonsense-mediated decay (NMD) and loss of protein (premature termination codon is located at least 54 nucleotides upstream of the final exon-exon junction). (SP) 0251 - This variant is heterozygous. (I) 0301 - Variant is absent from gnomAD (both v2 and v3). (SP) 0701 - Other NMD predicted variants comparable to the one identified in this case have very strong previous evidence for pathogenicity (ClinVar). (SP) 0807 - This variant has no previous evidence of pathogenicity. (I) 0905 - No published segregation evidence has been identified for this variant. (I) 1007 - No published functional evidence has been identified for this variant. (I) 1208 - Inheritance information for this variant is not currently available in this individual. (I) Legend: (SP) - Supporting pathogenic, (I) - Information, (SB) - Supporting benign

Literature cited by the submitters: PubMed 23071725.